The following is an entry in ClinVar:

NM_006015.6(ARID1A):c.3692A>T (p.Asp1231Val)

Genes: ARID1A (AT-rich interaction domain 1A; plus strand), LOC126805670 (CDK7 strongly-dependent group 2 enhancer GRCh37_chr1:27098665-27099864; plus strand). Cytogenetic location: 1p36.11.
Variant type: single nucleotide variant.
Coding change: c.3692A>T on transcript NM_006015.6 (MANE Select); coding-DNA position 3692, A replaced by T.
Protein change: p.Asp1231Val; replaces aspartic acid 1231 with valine.
Molecular consequence: missense variant.
Genome position (GRCh38, 1-based): chr1:26,772,964, A>T. VCF-style: chr1-26772964-A-T. GRCh37 (hg19) VCF-style: chr1-27099455-A-T.
Other names: c.3692A>T, p.Asp1231Val (NM_139135.4); short protein forms D1231V.
Identifiers: ClinVar variation 1492750 (VCV001492750.7), dbSNP rs372401403, ClinGen allele CA707263.

ClinVar aggregate classification (germline): Uncertain significance. Review status: criteria provided, multiple submitters, no conflicts (2 of 4 stars). 2 submissions from 2 submitters: Uncertain significance (2). Last evaluated 2025-03-25.

Allele frequency attached by ClinVar (database versions not stated): ExAC 0.00001; gnomAD 0.00001; TOPMed 0.00002; ESP Exome Variant Server 0.00008.
gnomAD v4.1: 1 of 1,612,340 alleles (0.000062%); highest among the groups gnomAD compares: Non-Finnish European, 0.000085%; no homozygotes.

Submissions (2):

Women's Health and Genetics/Laboratory Corporation of America, LabCorp
Classification: Uncertain significance. Last evaluated: 2025-03-25. Review status: criteria provided, single submitter. Criteria: LabCorp Variant Classification Summary - May 2015. Collection method: clinical testing. Allele origin: germline.
Comment: Variant summary: ARID1A c.3692A>T (p.Asp1231Val) results in a non-conservative amino acid change in the encoded protein sequence. Four of five in-silico tools predict a damaging effect of the variant on protein function. The variant was absent in 250596 control chromosomes. The available data on variant occurrences in the general population are insufficient to allow any conclusion about variant significance. To our knowledge, no occurrence of c.3692A>T in individuals affected with Mental Retardation, Autosomal Dominant 14 and no experimental evidence demonstrating its impact on protein function have been reported. ClinVar contains an entry for this variant (Variation ID: 1492750). Based on the evidence outlined above, the variant was classified as uncertain significance.

Labcorp Genetics (formerly Invitae), Labcorp
Classification: Uncertain significance. Last evaluated: 2022-06-04. Review status: criteria provided, single submitter. Criteria: Invitae Variant Classification Sherloc (09022015). Collection method: clinical testing. Allele origin: germline.
Comment: In summary, the available evidence is currently insufficient to determine the role of this variant in disease. Therefore, it has been classified as a Variant of Uncertain Significance. Algorithms developed to predict the effect of sequence changes on RNA splicing suggest that this variant may create or strengthen a splice site. Advanced modeling of protein sequence and biophysical properties (such as structural, functional, and spatial information, amino acid conservation, physicochemical variation, residue mobility, and thermodynamic stability) performed at Invitae indicates that this missense variant is expected to disrupt ARID1A protein function. ClinVar contains an entry for this variant (Variation ID: 1492750). This variant has not been reported in the literature in individuals affected with ARID1A-related conditions. This variant is present in population databases (rs372401403, gnomAD 0.0009%). This sequence change replaces aspartic acid, which is acidic and polar, with valine, which is neutral and non-polar, at codon 1231 of the ARID1A protein (p.Asp1231Val).